The following is an entry in ClinVar:

ClinVar aggregate classification (germline): Uncertain significance (1 of 4 stars; one submission).

Conditions:
KPTN-related disorder. Also called: KPTN-related condition. Identifiers: MedGen CN381532.

Submission:

PreventionGenetics, part of Exact Sciences
Classification: Uncertain significance for KPTN-related condition. Last evaluated: 2022-09-20. Review status: criteria provided, single submitter. Criteria: ACMG Guidelines, 2015. Collection method: clinical testing. Allele origin: germline.
Comment: The KPTN c.79A>G variant is predicted to result in the amino acid substitution p.Asn27Asp. To our knowledge, this variant has not been reported in the literature or in a large population database, indicating this variant is rare. At this time, the clinical significance of this variant is uncertain due to the absence of conclusive functional and genetic evidence.

NM_007059.4(KPTN):c.79A>G (p.Asn27Asp)

Gene: KPTN (kaptin, actin binding protein; minus strand). Cytogenetic location: 19q13.32.
Variant type: single nucleotide variant.
Coding change: c.79A>G on transcript NM_007059.4 (MANE Select); coding-DNA position 79, A replaced by G.
Protein change: p.Asn27Asp; replaces asparagine 27 with aspartic acid.
Molecular consequence: missense variant. On other transcripts: non-coding transcript variant (1).
Genome position (GRCh38, 1-based): chr19:47,484,082, T>C on the plus strand (A>G on the coding strand, the complement: KPTN is on the minus strand). VCF-style: chr19-47484082-T-C. GRCh37 (hg19) VCF-style: chr19-47987339-T-C.
Other names: c.79A>G, p.Asn27Asp (NM_001291296.2); short protein forms N27D.
Identifiers: ClinVar variation 2637263 (VCV002637263.1), dbSNP rs2122704965, ClinGen allele CA406607055.